The following is an entry in ClinVar:

NM_130849.4(SLC39A4):c.413del (p.Pro138fs)

Gene: SLC39A4 (solute carrier family 39 member 4; minus strand). Cytogenetic location: 8q24.3.
Variant type: Deletion.
Coding change: c.413del on transcript NM_130849.4 (MANE Select); coding-DNA position 413, one base deleted (C; older notation c.413delC).
Protein change: p.Pro138fs; shifts the reading frame from proline 138.
Molecular consequence: frameshift variant. On other transcripts: intron variant (1).
Genome position (GRCh38, 1-based): chr8:144,415,871, G deleted on the plus strand (C on the coding strand, the reverse complement: SLC39A4 is on the minus strand); the first of 4 consecutive G bases (chr8:144,415,871-144,415,874); deleting any one gives the same sequence. VCF-style (leftmost placement, unchanged base first): chr8-144415870-CG-C. GRCh37 (hg19) VCF-style: chr8-145641254-CG-C.
Other names: c.338del, p.Pro113fs (NM_017767.3); c.193-452del (NM_001374839.1); short protein forms P138fs, P113fs.
Identifiers: ClinVar variation 1423556 (VCV001423556.6), dbSNP rs2130802268, ClinGen allele CA2573143004.
Genomic context (GRCh38, chr8:144,415,870, plus strand): 5'-CATCTTGGGGGTCTGGCCGGCAGCCCGGGCCTGCATCCTCTGCAGCAGCCAGCTCAGGCC[CG>C]GGGTCAGGGCCTTGGGGCTCTCGAGCAGGGCCAGGAGGTGGTCTGCATGAGAGGCCCAGA-3'

ClinVar aggregate classification (germline): Pathogenic (1 of 4 stars; one submission).

Submission:

Labcorp Genetics (formerly Invitae), Labcorp
Classification: Pathogenic. Last evaluated: 2020-12-31. Review status: criteria provided, single submitter. Criteria: Invitae Variant Classification Sherloc (09022015). Collection method: clinical testing. Allele origin: germline.
Comment: This variant is not present in population databases (ExAC no frequency). For these reasons, this variant has been classified as Pathogenic. This variant has not been reported in the literature in individuals with SLC39A4-related conditions. This sequence change creates a premature translational stop signal (p.Pro138Argfs*3) in the SLC39A4 gene. It is expected to result in an absent or disrupted protein product. Loss-of-function variants in SLC39A4 are known to be pathogenic (PMID: 12955721).

Literature cited by the submitters: PubMed 12955721.